The following is an entry in ClinVar:

ClinVar aggregate classification (germline): Pathogenic (1 of 4 stars; one submission).

Conditions:
Hereditary cancer-predisposing syndrome. Also called: Hereditary Cancer Syndrome; Hereditary neoplastic syndrome; Tumor predisposition; Neoplastic Syndromes, Hereditary. Identifiers: Orphanet 140162, MedGen C0027672, MeSH D009386, MONDO:0015356.

Submission:

Ambry Genetics
Classification: Pathogenic for Hereditary cancer-predisposing syndrome. Last evaluated: 2020-12-01. Review status: criteria provided, single submitter. Criteria: Ambry Variant Classification Scheme 2023. Collection method: clinical testing. Allele origin: germline.
Comment: The p.E830* pathogenic mutation (also known as c.2488G>T), located in coding exon 15 of the DICER1 gene, results from a G to T substitution at nucleotide position 2488. This changes the amino acid from a glutamic acid to a stop codon within coding exon 15. This alteration is expected to result in loss of function by premature protein truncation or nonsense-mediated mRNA decay. As such, this alteration is interpreted as a disease-causing mutation.

NM_177438.3(DICER1):c.2488G>T (p.Glu830Ter)

Gene: DICER1 (dicer 1, ribonuclease III; minus strand). Cytogenetic location: 14q32.13.
Variant type: single nucleotide variant.
Coding change: c.2488G>T on transcript NM_177438.3 (MANE Select); coding-DNA position 2488, G replaced by T.
Protein change: p.Glu830Ter; replaces glutamic acid 830 with a stop codon.
Molecular consequence: nonsense. On other transcripts: non-coding transcript variant (6).
Genome position (GRCh38, 1-based): chr14:95,108,042, C>A on the plus strand (G>T on the coding strand, the complement: DICER1 is on the minus strand). VCF-style: chr14-95108042-C-A. GRCh37 (hg19) VCF-style: chr14-95574379-C-A.
Other names: c.2488G>T, p.Glu830Ter (NM_001195573.1, NM_001271282.3, NM_001291628.2 and 13 more transcripts); c.2206G>T, p.Glu736Ter (NM_001395686.1); c.2083G>T, p.Glu695Ter (NM_001395687.1, NM_001395688.1, NM_001395689.1 and 2 more transcripts); c.1921G>T, p.Glu641Ter (NM_001395691.1); c.805G>T, p.Glu269Ter (NM_001395697.1); short protein forms E269*, E830*, E641*, E695*, E736*.
Identifiers: ClinVar variation 1792021 (VCV001792021.2), dbSNP rs2140025976, ClinGen allele CA390881923.